The following is an entry in ClinVar:

ClinVar aggregate classification (germline): Uncertain significance (1 of 4 stars; one submission).

Conditions:
Monogenic diabetes. Identifiers: Orphanet 183625, MedGen C3888631, MONDO:0015967.

Submission:

Personalized Diabetes Medicine Program, University of Maryland School of Medicine
Classification: Uncertain significance for Monogenic diabetes. Last evaluated: 2019-02-18. Review status: criteria provided, single submitter. Criteria: ACMG Guidelines, 2015. Collection method: research. Allele origin: unknown. Observed: 1 variant allele, 1 mosaic individual.
Comment: ACMG criteria: PVS1, PM2 = likely pathogenic NOTE: variant is low level mosaic (~17%) and relevance at this level is uncertain, so considering VUS.

NM_000209.4(PDX1):c.127_128insGCCG (p.Pro43fs)

Gene: PDX1 (pancreatic and duodenal homeobox 1; plus strand). Cytogenetic location: 13q12.2.
Variant type: Insertion.
Coding change: c.127_128insGCCG on transcript NM_000209.4 (MANE Select); coding-DNA positions 127 to 128, GCCG inserted.
Protein change: p.Pro43fs; shifts the reading frame from proline 43.
Molecular consequence: frameshift variant.
Genome position: GRCh38 VCF-style: chr13-27920265-C-CGCCG. GRCh37 (hg19) VCF-style: chr13-28494402-C-CGCCG.
Other names: short protein forms P43fs.
Identifiers: ClinVar variation 917444 (VCV000917444.1), dbSNP rs1957772748, ClinGen allele CA1139663036.